The following is an entry in ClinVar:

ClinVar aggregate classification (germline): Likely benign. Review status: criteria provided, multiple submitters, no conflicts (2 of 4 stars). 2 submissions from 2 submitters: Likely benign (2). Last evaluated 2023-03-01.

Submissions (2):

CeGaT Center for Human Genetics Tuebingen
Classification: Likely benign. Last evaluated: 2023-03-01. Review status: criteria provided, single submitter. Criteria: CeGaT Center For Human Genetics Tuebingen Variant Classification Criteria Version 2. Collection method: clinical testing. Allele origin: germline. Affected: yes. Observed: 1 variant allele.
Comment: AMOT: BS2

Labcorp Genetics (formerly Invitae), Labcorp
Classification: Likely benign. Last evaluated: 2018-10-10. Review status: criteria provided, single submitter. Criteria: Invitae Variant Classification Sherloc (09022015). Collection method: clinical testing. Allele origin: germline.

NM_001113490.2(AMOT):c.2683_2703del (p.Ala895_Ala901del)

Gene: AMOT (angiomotin; minus strand). Cytogenetic location: Xq23.
Variant type: Deletion.
Coding change: c.2683_2703del on transcript NM_001113490.2 (MANE Select); coding-DNA positions 2683 to 2703, 21 bases deleted (GCCATCACTGCCACTGCTGCC).
Protein change: p.Ala895_Ala901del.
Molecular consequence: inframe deletion.
Genome position (GRCh38, 1-based): chrX:112,779,451-112,779,471, GGCAGCAGTGGCAGTGATGGC deleted on the plus strand (GCCATCACTGCCACTGCTGCC on the coding strand, the reverse complement: AMOT is on the minus strand); deleting any 21 consecutive bases within chrX:112,779,451-112,779,483 gives the same sequence; the c. name uses the placement nearest the transcript's 3' end. VCF-style (leftmost placement, unchanged base first): chrX-112779450-TGGCAGCAGTGGCAGTGATGGC-T. GRCh37 (hg19) VCF-style: chrX-112022678-TGGCAGCAGTGGCAGTGATGGC-T.
Other names: c.2683_2703delGCCATCACTGCCACTGCTGCC (NM_001113490.1); c.2683_2703del, p.Ala895_Ala901del (NM_001386998.1, NM_001386999.1); c.1456_1476del, p.Ala486_Ala492del (NM_133265.5).
Identifiers: ClinVar variation 715548 (VCV000715548.27), dbSNP rs752098156, ClinGen allele CA10494870.
Genomic context (GRCh38, chrX:112,779,450, plus strand): 5'-CTGGAGCAGCAGCAGCAGCAACAGCAACTGGAGCAGCAGCTACCATGGTGGTGGTGATGG[TGGCAGCAGTGGCAGTGATGGC>T]GGCAGCAGTGGCGGCAGCAGCAACTGGAGCAGGAACAGAGATGGGAGCAACAGCTGCAGT-3'